The following is an entry in ClinVar:

ClinVar aggregate classification (germline): Uncertain significance. Review status: criteria provided, multiple submitters, no conflicts (2 of 4 stars). 4 submissions from 4 submitters: Uncertain significance (4). Last evaluated 2025-11-12.

Conditions:
TTN-related disorder. Also called: TTN-related condition; TTN-related disease; TTN-related disorders.
Cardiovascular phenotype. Identifiers: MedGen CN230736.
Dilated cardiomyopathy 1G (CMD1G). Identifiers: Orphanet 154, MedGen C1858763, MONDO:0011400, OMIM 604145.
Autosomal recessive limb-girdle muscular dystrophy type 2J (LGMDR10). Also called: Limb-girdle muscular dystrophy, type 2J; MUSCULAR DYSTROPHY, LIMB-GIRDLE, AUTOSOMAL RECESSIVE 10. Identifiers: Orphanet 140922, MedGen C1837342, MONDO:0012127, OMIM 608807.

Allele frequency attached by ClinVar (database versions not stated): TOPMed below 0.00001; gnomAD 0.00001; gnomAD exomes 0.00003 and 0.00006; ExAC 0.00006; ESP Exome Variant Server 0.00008.
gnomAD v4.1: 79 of 1,499,900 alleles (0.0053%); highest among the groups gnomAD compares: Middle Eastern, 0.017%; no homozygotes.

Submissions (4):

PreventionGenetics, part of Exact Sciences
Classification: Uncertain significance for TTN-related condition. Last evaluated: 2025-11-12. Review status: criteria provided, single submitter. Criteria: ACMG Guidelines, 2015. Collection method: clinical testing. Allele origin: germline.
Comment: The TTN c.97792A>G variant is predicted to result in the amino acid substitution p.Ile32598Val. To our knowledge, this variant has not been reported in the literature. This variant is reported in 0.0074% of alleles in individuals of European (Non-Finnish) descent in gnomAD. At this time, the clinical significance of this variant is uncertain due to the absence of conclusive functional and genetic evidence.

Ambry Genetics
Classification: Uncertain significance for Cardiovascular phenotype. Last evaluated: 2019-12-12. Review status: criteria provided, single submitter. Criteria: Ambry Variant Classification Scheme 2023. Collection method: clinical testing. Allele origin: germline.
Comment: The p.I23533V variant (also known as c.70597A>G), located in coding exon 177 of the TTN gene, results from an A to G substitution at nucleotide position 70597. The isoleucine at codon 23533 is replaced by valine, an amino acid with highly similar properties. This amino acid position is highly conserved in available vertebrate species. In addition, this alteration is predicted to be tolerated by in silico analysis. Since supporting evidence is limited at this time, the clinical significance of this alteration remains unclear.

Labcorp Genetics (formerly Invitae), Labcorp
Classification: Uncertain significance for Dilated cardiomyopathy 1G; Autosomal recessive limb-girdle muscular dystrophy type 2J. Last evaluated: 2018-07-17. Review status: criteria provided, single submitter. Criteria: Invitae Variant Classification Sherloc (09022015). Collection method: clinical testing. Allele origin: germline.
Comment: This sequence change replaces isoleucine with valine at codon 32598 of the TTN protein (p.Ile32598Val). There is a small physicochemical difference between isoleucine and valine. This variant is present in population databases (rs372075164, ExAC 0.01%). This variant has not been reported in the literature in individuals with TTN-related disease. ClinVar contains an entry for this variant (Variation ID: 500701). This variant is located in the A band of TTN (PMID: 25589632).¬†Variants in this region may be relevant for cardiac or neuromuscular disorders (PMID:¬†25589632,¬†23975875). Algorithms developed to predict the effect of missense changes on protein structure and function are unavailable for the TTN gene. Algorithms developed to predict the effect of sequence changes on RNA splicing suggest that this variant may create or strengthen a splice site, but this prediction has not been confirmed by published transcriptional studies. In summary, the available evidence is currently insufficient to determine the role of this variant in disease. Therefore, it has been classified as a Variant of Uncertain Significance.

Eurofins Ntd Llc (ga)
Classification: Uncertain significance. Last evaluated: 2017-03-05. Review status: criteria provided, single submitter. Criteria: EGL Classification Definitions 2015. Collection method: clinical testing. Allele origin: germline. Observed: 1 variant allele, 1 heterozygote.

Literature cited by the submitters: PubMed 25589632 (cited by Labcorp Genetics (formerly Invitae), Labcorp).

NM_001267550.2(TTN):c.97792A>G (p.Ile32598Val)

Genes: TTN (titin; minus strand), TTN-AS1 (TTN antisense RNA 1; plus strand). Cytogenetic location: 2q31.2.
Variant type: single nucleotide variant.
Coding change: c.97792A>G on transcript NM_001267550.2 (MANE Select); coding-DNA position 97792, A replaced by G.
Protein change: p.Ile32598Val; replaces isoleucine 32598 with valine.
Molecular consequence: missense variant.
Genome position (GRCh38, 1-based): chr2:178,541,285, T>C on the plus strand (A>G on the coding strand, the complement: TTN is on the minus strand). VCF-style: chr2-178541285-T-C. GRCh37 (hg19) VCF-style: chr2-179406012-T-C.
Other names: c.92869A>G, p.Ile30957Val (NM_001256850.1); c.70597A>G, p.Ile23533Val (NM_003319.4); c.90088A>G, p.Ile30030Val (NM_133378.4); c.70972A>G, p.Ile23658Val (NM_133432.3); c.71173A>G, p.Ile23725Val (NM_133437.4); short protein forms I30030V, I32598V, I23658V, I23725V, I30957V, I23533V.
Identifiers: ClinVar variation 500701 (VCV000500701.12), dbSNP rs372075164, ClinGen allele CA1986494.
Genomic context (GRCh38, chr2:178,541,285, plus strand): 5'-ATTTTCCCACATATAAATTGTAACTCAATCAATTTGACTGATACAAAATGTCCTTACCAA[T>C]TGGATCCATGGCAACGATGGGTTTGGAAGGACGACTTGGTTTCCCAGACCCTCTTGCATT-3'
Protein context (NP_001254479.2, residues 32588-32608): PSKPIVAMDP[Ile32598Val]APPGKPQNPR